The following is an entry in ClinVar:

ClinVar aggregate classification (germline): Pathogenic (1 of 4 stars; one submission).

Submission:

Labcorp Genetics (formerly Invitae), Labcorp
Classification: Pathogenic. Last evaluated: 2024-02-22. Review status: criteria provided, single submitter. Criteria: Invitae Variant Classification Sherloc (09022015). Collection method: clinical testing. Allele origin: germline.
Comment: This sequence change creates a premature translational stop signal (p.Lys164Argfs*3) in the CYP24A1 gene. It is expected to result in an absent or disrupted protein product. Loss-of-function variants in CYP24A1 are known to be pathogenic (PMID: 21675912). This variant is not present in population databases (gnomAD no frequency). This variant has not been reported in the literature in individuals affected with CYP24A1-related conditions. For these reasons, this variant has been classified as Pathogenic.

Literature cited by the submitters: PubMed 21675912.

NM_000782.5(CYP24A1):c.491del (p.Lys164fs)

Gene: CYP24A1 (cytochrome P450 family 24 subfamily A member 1; minus strand). Cytogenetic location: 20q13.2.
Variant type: Deletion.
Coding change: c.491del on transcript NM_000782.5 (MANE Select); coding-DNA position 491, one base deleted (A; older notation c.491delA).
Protein change: p.Lys164fs; shifts the reading frame from lysine 164.
Molecular consequence: frameshift variant.
Genome position (GRCh38, 1-based): chr20:54,171,629, T deleted on the plus strand (A on the coding strand, the reverse complement: CYP24A1 is on the minus strand); the first of 4 consecutive T bases (chr20:54,171,629-54,171,632); deleting any one gives the same sequence. VCF-style (leftmost placement, unchanged base first): chr20-54171628-CT-C. GRCh37 (hg19) VCF-style: chr20-52788167-CT-C.
Other names: c.491del, p.Lys164fs (NM_001128915.2, NM_001424340.1, NM_001424341.1 and 2 more transcripts); short protein forms K164fs.
Identifiers: ClinVar variation 3642651 (VCV003642651.2).